The following is an entry in ClinVar:

NM_001330288.2(SMARCC2):c.1260G>C (p.Gln420His)

Gene: SMARCC2 (SWI/SNF related BAF chromatin remodeling complex subunit C2; minus strand). Cytogenetic location: 12q13.2.
Variant type: single nucleotide variant.
Coding change: c.1260G>C on transcript NM_001330288.2 (MANE Select); coding-DNA position 1260, G replaced by C.
Protein change: p.Gln420His; replaces glutamine 420 with histidine.
Molecular consequence: missense variant.
Genome position (GRCh38, 1-based): chr12:56,178,454, C>G on the plus strand (G>C on the coding strand, the complement: SMARCC2 is on the minus strand). VCF-style: chr12-56178454-C-G. GRCh37 (hg19) VCF-style: chr12-56572238-C-G.
Other names: c.1260G>C, p.Gln420His (NM_001130420.3, NM_003075.5, NM_139067.4); short protein forms Q420H.
Identifiers: ClinVar variation 3900133 (VCV003900133.1).

ClinVar aggregate classification (germline): Uncertain significance (1 of 4 stars; one submission).

Submission:

GeneDx
Classification: Uncertain significance. Last evaluated: 2024-11-22. Review status: criteria provided, single submitter. Criteria: GeneDx Variant Classification Process June 2021. Collection method: clinical testing. Allele origin: germline. Affected: yes.
Comment: Not observed at significant frequency in large population cohorts (gnomAD); In silico analysis supports that this missense variant has a deleterious effect on protein structure/function; Has not been previously published as pathogenic or benign to our knowledge